The following is an entry in ClinVar:

ClinVar aggregate classification (germline): Uncertain significance (1 of 4 stars; one submission).

Allele frequency attached by ClinVar (database versions not stated): ExAC 0.00002; gnomAD exomes 0.00002.
gnomAD v4.1: 27 of 1,614,052 alleles (0.0017%); highest among the groups gnomAD compares: Non-Finnish European, 0.0023%; no homozygotes.

Submission:

Labcorp Genetics (formerly Invitae), Labcorp
Classification: Uncertain significance. Last evaluated: 2022-07-06. Review status: criteria provided, single submitter. Criteria: Invitae Variant Classification Sherloc (09022015). Collection method: clinical testing. Allele origin: germline.
Comment: This sequence change replaces leucine, which is neutral and non-polar, with phenylalanine, which is neutral and non-polar, at codon 1512 of the CEP152 protein (p.Leu1512Phe). This variant is present in population databases (rs777337799, gnomAD 0.0009%). This variant has not been reported in the literature in individuals affected with CEP152-related conditions. Algorithms developed to predict the effect of missense changes on protein structure and function (SIFT, PolyPhen-2, Align-GVGD) all suggest that this variant is likely to be tolerated. In summary, the available evidence is currently insufficient to determine the role of this variant in disease. Therefore, it has been classified as a Variant of Uncertain Significance.

NM_001194998.2(CEP152):c.4702C>T (p.Leu1568Phe)

Gene: CEP152 (centrosomal protein 152; minus strand). Cytogenetic location: 15q21.1.
Variant type: single nucleotide variant.
Coding change: c.4702C>T on transcript NM_001194998.2 (MANE Select); coding-DNA position 4702, C replaced by T.
Protein change: p.Leu1568Phe; replaces leucine 1568 with phenylalanine.
Molecular consequence: missense variant.
Genome position (GRCh38, 1-based): chr15:48,738,680, G>A on the plus strand (C>T on the coding strand, the complement: CEP152 is on the minus strand). VCF-style: chr15-48738680-G-A. GRCh37 (hg19) VCF-style: chr15-49030877-G-A.
Other names: c.4534C>T, p.Leu1512Phe (NM_014985.4); short protein forms L1512F, L1568F.
Identifiers: ClinVar variation 1940873 (VCV001940873.2), dbSNP rs777337799, ClinGen allele CA7548053.